The following is an entry in ClinVar:

ClinVar aggregate classification (germline): Uncertain significance. Review status: criteria provided, single submitter (1 of 4 stars). 2 submissions from 2 submitters: Uncertain significance (1). 1 of the submissions does not count toward it. Last evaluated 2025-10-20.

Conditions:
Galactosylceramide beta-galactosidase deficiency. Also called: Krabbe Disease; GALACTOCEREBROSIDASE DEFICIENCY; GALC DEFICIENCY; GLOBOID CELL LEUKOENCEPHALOPATHY; Leukodystrophy, Globoid Cell. Identifiers: Orphanet 487, MedGen C0023521, MONDO:0009499, OMIM 245200.

Allele frequency attached by ClinVar (database versions not stated): gnomAD 0.00001 and 0.00003; gnomAD exomes 0.00001; TOPMed 0.00001; ExAC 0.00005.
gnomAD v4.1: 16 of 1,540,776 alleles (0.001%); highest among the groups gnomAD compares: Non-Finnish European, 0.0013%; no homozygotes.

Submissions (2):

Labcorp Genetics (formerly Invitae), Labcorp
Classification: Uncertain significance for Galactosylceramide beta-galactosidase deficiency. Last evaluated: 2025-10-20. Review status: criteria provided, single submitter. Criteria: Invitae Variant Classification Sherloc (09022015). Collection method: clinical testing. Allele origin: germline.
Comment: This sequence change replaces arginine, which is basic and polar, with tryptophan, which is neutral and slightly polar, at codon 53 of the GALC protein (p.Arg53Trp). The frequency data for this variant in the population databases is considered unreliable, as metrics indicate poor data quality at this position in the gnomAD database. This missense change has been observed in individual(s) with Krabbe disease (PMID: 21824559). ClinVar contains an entry for this variant (Variation ID: 557770). Invitae Evidence Modeling of protein sequence and biophysical properties (such as structural, functional, and spatial information, amino acid conservation, physicochemical variation, residue mobility, and thermodynamic stability) indicates that this missense variant is expected to disrupt GALC protein function with a positive predictive value of 95%. In summary, the available evidence is currently insufficient to determine the role of this variant in disease. Therefore, it has been classified as a Variant of Uncertain Significance.

Counsyl
Classification: Uncertain significance for Galactosylceramide beta-galactosidase deficiency. Last evaluated: 2018-04-06. Review status: no assertion criteria provided. Collection method: clinical testing. Allele origin: unknown. Not counted in ClinVar's aggregate classification.

Literature cited by the submitters: PubMed 21824559 (cited by Labcorp Genetics (formerly Invitae), Labcorp); PubMed 28600779 (cited by Counsyl).

NM_000153.4(GALC):c.157C>T (p.Arg53Trp)

Genes: GALC (galactosylceramidase; minus strand), LOC130056217 (ATAC-STARR-seq lymphoblastoid silent region 5988; plus strand). Cytogenetic location: 14q31.3.
Variant type: single nucleotide variant.
Coding change: c.157C>T on transcript NM_000153.4 (MANE Select); coding-DNA position 157, C replaced by T.
Protein change: p.Arg53Trp; replaces arginine 53 with tryptophan.
Molecular consequence: missense variant. On other transcripts: intron variant (1).
Genome position (GRCh38, 1-based): chr14:87,993,008, G>A on the plus strand (C>T on the coding strand, the complement: GALC is on the minus strand). VCF-style: chr14-87993008-G-A. GRCh37 (hg19) VCF-style: chr14-88459352-G-A.
Other names: c.157C>T, p.Arg53Trp (NM_001201401.2); c.117+375C>T (NM_001201402.2); short protein forms R53W.
Identifiers: ClinVar variation 557770 (VCV000557770.5), dbSNP rs752371343, ClinGen allele CA7297494.